The following is an entry in ClinVar:

ClinVar aggregate classification (germline): Pathogenic. Review status: criteria provided, multiple submitters, no conflicts (2 of 4 stars). 8 submissions from 8 submitters: Pathogenic (7). 1 of the submissions does not count toward it. Last evaluated 2025-05-28.

Conditions:
TPO-related disorder. Also called: TPO-related condition.
Deficiency of iodide peroxidase (TDH2A). Also called: THYROID HORMONOGENESIS, GENETIC DEFECT IN, 2A; THYROID PEROXIDASE DEFICIENCY; HYPOTHYROIDISM, CONGENITAL, DUE TO DYSHORMONOGENESIS, 2A; IODIDE PEROXIDASE DEFICIENCY; Thyroid dyshormonogenesis 2A. Identifiers: Orphanet 95716, MedGen C1291299, MONDO:0010133, OMIM 274500.

Allele frequency attached by ClinVar (database versions not stated): TOPMed below 0.00001; gnomAD 0.00002 and 0.00001.
gnomAD v4.1: 37 of 1,614,210 alleles (0.0023%); highest among the groups gnomAD compares: Middle Eastern, 0.049%; no homozygotes.

Submissions (8):

PreventionGenetics, part of Exact Sciences
Classification: Pathogenic for TPO-related condition. Last evaluated: 2025-05-28. Review status: criteria provided, single submitter. Criteria: ACMG Guidelines, 2015. Collection method: clinical testing. Allele origin: germline.
Comment: The TPO c.1618C>T variant is predicted to result in premature protein termination (p.Arg540*). This variant has been reported in multiple individuals with thyroid hormone resistance (see for example: Bikker et al 1995. PubMed ID: 7550241; Narumi et al 2011. PubMed ID: 21900383; Hou et al 2020. PubMed ID: 31980526). This variant is reported in 0.0026% of alleles in individuals of European (Non-Finnish) descent in gnomAD. Nonsense variants in TPO are expected to be pathogenic. This variant is interpreted as pathogenic.

GeneDx
Classification: Pathogenic. Last evaluated: 2024-08-29. Review status: criteria provided, single submitter. Criteria: GeneDx Variant Classification Process June 2021. Collection method: clinical testing. Allele origin: germline. Affected: yes.
Comment: Nonsense variant predicted to result in protein truncation or nonsense mediated decay in a gene for which loss of function is a known mechanism of disease; Not observed at significant frequency in large population cohorts (gnomAD); This variant is associated with the following publications: (PMID: 21900383, 25525159, 7550241, 8964831, 26777044, 34426522, 32459320, 33298898, 33368191, 39003160, 38986456, 34501348, 31256877, 31980526, 38105685, 34780050, 34200080, 36913313)

Fulgent Genetics
Classification: Pathogenic for Deficiency of iodide peroxidase. Last evaluated: 2024-06-07. Review status: criteria provided, single submitter. Criteria: ACMG Guidelines, 2015. Collection method: clinical testing. Allele origin: germline.

CeGaT Center for Human Genetics Tuebingen
Classification: Pathogenic. Last evaluated: 2024-06-01. Review status: criteria provided, single submitter. Criteria: CeGaT Center For Human Genetics Tuebingen Variant Classification Criteria Version 2. Collection method: clinical testing. Allele origin: germline. Affected: yes. Observed: 3 variant alleles.
Comment: TPO: PVS1, PM2, PM3

Labcorp Genetics (formerly Invitae), Labcorp
Classification: Pathogenic. Last evaluated: 2023-10-22. Review status: criteria provided, single submitter. Criteria: Invitae Variant Classification Sherloc (09022015). Collection method: clinical testing. Allele origin: germline.
Comment: This sequence change creates a premature translational stop signal (p.Arg540*) in the TPO gene. It is expected to result in an absent or disrupted protein product. Loss-of-function variants in TPO are known to be pathogenic (PMID: 11061528, 23236987, 25564141). This variant is present in population databases (rs121908082, gnomAD 0.003%). This premature translational stop signal has been observed in individual(s) with clinical features of thyroid dyshormonogenesis (PMID: 21900383, 34780050). ClinVar contains an entry for this variant (Variation ID: 4042). For these reasons, this variant has been classified as Pathogenic.

3billion
Classification: Pathogenic for Deficiency of iodide peroxidase. Last evaluated: 2022-01-03. Review status: criteria provided, single submitter. Criteria: ACMG Guidelines, 2015. Collection method: clinical testing. Allele origin: germline. Affected: yes. Observed: 1 heterozygote.
Comment: Stop-gained (nonsense): predicted to result in a loss or disruption of normal protein function through nonsense-mediated decay (NMD) or protein truncation. Multiple pathogenic variants are reported downstream of the variant (PVS1_VS). It is observed at an extremely low frequency in the gnomAD v2.1.1 dataset (total allele frequency: 0.000012, PM2_M). The variant has been reported to be associated with TPO related disorder (ClinVar ID: VCV000004042, PMID:7550241).Therefore, this variant is classified as pathogenic according to the recommendation of ACMG/AMP guideline.

Juno Genomics, Hangzhou Juno Genomics, Inc
Classification: Pathogenic for Deficiency of iodide peroxidase. Review status: criteria provided, single submitter. Criteria: ACMG Guidelines, 2015. Collection method: clinical testing. Allele origin: germline.
Comment: Absent from controls (or at extremely low frequency if recessive) in Genome Aggregation Database.;Null variant in a gene where loss of function (LOF) is a known mechanism of disease.;For recessive disorders, detected in trans with a pathogenic variant.

OMIM
Classification: Pathogenic for THYROID DYSHORMONOGENESIS 2A. Last evaluated: 1996-06-01. Review status: no assertion criteria provided. Collection method: literature only. Allele origin: germline. Not counted in ClinVar's aggregate classification.

Literature cited by the submitters: PubMed 11061528 (cited by Labcorp Genetics (formerly Invitae), Labcorp); PubMed 23236987 (cited by Labcorp Genetics (formerly Invitae), Labcorp); PubMed 25564141 (cited by Labcorp Genetics (formerly Invitae), Labcorp); PubMed 21900383 (cited by Labcorp Genetics (formerly Invitae), Labcorp); PubMed 34780050 (cited by Labcorp Genetics (formerly Invitae), Labcorp); PubMed 7550241 (cited by 3billion); PubMed 8964831 (cited by OMIM).

NM_001206744.2(TPO):c.1618C>T (p.Arg540Ter)

Genes: LALTOP (lung cancer associated lncRNA targeting TOP2A; minus strand), TPO (thyroid peroxidase; plus strand). Cytogenetic location: 2p25.3.
Variant type: single nucleotide variant.
Coding change: c.1618C>T on transcript NM_001206744.2 (MANE Select); coding-DNA position 1618, C replaced by T.
Protein change: p.Arg540Ter; replaces arginine 540 with a stop codon.
Molecular consequence: nonsense. On other transcripts: intron variant (2).
Genome position (GRCh38, 1-based): chr2:1,487,841, C>T. VCF-style: chr2-1487841-C-T. GRCh37 (hg19) VCF-style: chr2-1491613-C-T.
Other names: c.1618C>T, p.Arg540Ter (NM_000547.6, NM_175721.3); c.1099C>T, p.Arg367Ter (NM_175722.3); c.1597+2987C>T (NM_175719.4, NM_001206745.2); short protein forms R540*, R367*.
Identifiers: ClinVar variation 4042 (VCV000004042.38), dbSNP rs121908082, ClinGen allele CA116627.